The following is an entry in ClinVar:

NM_014669.5(NUP93):c.1772G>T (p.Gly591Val)

Gene: NUP93 (nucleoporin 93; plus strand). Cytogenetic location: 16q13.
Variant type: single nucleotide variant.
Coding change: c.1772G>T on transcript NM_014669.5 (MANE Select); coding-DNA position 1772, G replaced by T.
Protein change: p.Gly591Val; replaces glycine 591 with valine.
Molecular consequence: missense variant.
Genome position (GRCh38, 1-based): chr16:56,834,768, G>T. VCF-style: chr16-56834768-G-T. GRCh37 (hg19) VCF-style: chr16-56868680-G-T.
Other names: c.1403G>T, p.Gly468Val (NM_001242795.2, NM_001242796.2); short protein forms G591V, G468V.
Identifiers: ClinVar variation 224964 (VCV000224964.40), dbSNP rs145473779, ClinGen allele CA357847.

ClinVar aggregate classification (germline): Pathogenic/Likely pathogenic. Review status: criteria provided, multiple submitters, no conflicts (2 of 4 stars). 11 submissions from 11 submitters: Pathogenic (4); Likely pathogenic (4). 3 of the submissions do not count toward it. Last evaluated 2025-11-25.

Conditions:
NUP93-related disorder. Also called: NUP93-related condition.
Nephrotic syndrome, type 12 (NPHS12). Identifiers: Orphanet 656, MedGen C4225166, MONDO:0014817, OMIM 616892.
Nephrotic syndrome. Identifiers: MedGen C0027726, MONDO:0005377, HP:0000100.

Allele frequency attached by ClinVar (database versions not stated): ExAC 0.00012; gnomAD exomes 0.00012 and 0.00015; gnomAD 0.00014; TOPMed 0.00014; ESP Exome Variant Server 0.00015.
gnomAD v4.1: 235 of 1,611,752 alleles (0.015%); highest among the groups gnomAD compares: Non-Finnish European, 0.019%; no homozygotes.

Submissions (13):

Labcorp Genetics (formerly Invitae), Labcorp
Classification: Pathogenic. Last evaluated: 2025-11-25. Review status: criteria provided, single submitter. Criteria: Invitae Variant Classification Sherloc (09022015). Collection method: clinical testing. Allele origin: germline.
Comment: This sequence change replaces glycine, which is neutral and non-polar, with valine, which is neutral and non-polar, at codon 591 of the NUP93 protein (p.Gly591Val). This variant is present in population databases (rs145473779, gnomAD 0.03%). This missense change has been observed in individual(s) with steroid-resistant nephrotic syndrome (PMID: 26878725). In at least one individual the data is consistent with being in trans (on the opposite chromosome) from a pathogenic variant. ClinVar contains an entry for this variant (Variation ID: 224964). Invitae Evidence Modeling of protein sequence and biophysical properties (such as structural, functional, and spatial information, amino acid conservation, physicochemical variation, residue mobility, and thermodynamic stability) indicates that this missense variant is expected to disrupt NUP93 protein function with a positive predictive value of 80%. Experimental studies have shown that this missense change affects NUP93 function (PMID: 26878725). Algorithms developed to predict the effect of sequence changes on RNA splicing suggest that this variant may create or strengthen a splice site. For these reasons, this variant has been classified as Pathogenic.

GeneDx
Classification: Pathogenic. Last evaluated: 2025-06-07. Review status: criteria provided, single submitter. Criteria: GeneDx Variant Classification Process June 2021. Collection method: clinical testing. Allele origin: germline. Affected: yes.
Comment: Published functional studies suggest a damaging effect; this variant fails to interact and reduces translocation of SMAD4 (PMID: 26878725); In silico analysis supports a deleterious effect on splicing; In silico analysis supports that this missense variant has a deleterious effect on protein structure/function; This variant is associated with the following publications: (PMID: 31517150, 30577294, 34426522, 33578576, 29869118, 33532864, 26878725, 37692026, 36685964, 35874595, 35562925)

Laboratory of Genetics, Children's Clinical University Hospital Latvia
Classification: Pathogenic. Last evaluated: 2025-02-16. Review status: criteria provided, single submitter. Criteria: ACMG Guidelines, 2015. Collection method: clinical testing. Allele origin: germline. Affected: yes.

Blueprint Genetics
Classification: Pathogenic for NUP93-related disorders. Last evaluated: 2024-11-05. Review status: criteria provided, single submitter. Criteria: ACMG Guidelines, 2015. Collection method: clinical testing. Allele origin: germline. Affected: yes. Observed: 5 variant alleles.

Precision Medicine Center, Zhengzhou University
Classification: Likely pathogenic for Nephrotic syndrome, type 12. Last evaluated: 2024-09-01. Review status: criteria provided, single submitter. Criteria: ACMG Guidelines, 2015. Collection method: clinical testing. Allele origin: maternal. Inheritance: Autosomal recessive inheritance. Affected: yes.
Comment: PM2_p,PM3,PS3

CeGaT Center for Human Genetics Tuebingen
Classification: Likely pathogenic. Last evaluated: 2024-03-01. Review status: criteria provided, single submitter. Criteria: CeGaT Center For Human Genetics Tuebingen Variant Classification Criteria Version 2. Collection method: clinical testing. Allele origin: germline. Affected: yes. Observed: 1 variant allele.
Comment: NUP93: PM3:Strong, PM2:Supporting, PP3, PS3:Supporting

Department of Pathology and Laboratory Medicine, Sinai Health System
Classification: Likely pathogenic for Nephrotic syndrome, type 12. Last evaluated: 2022-09-15. Review status: criteria provided, single submitter. Criteria: ACMG Guidelines, 2015. Collection method: research. Allele origin: germline.

Molecular Biology Laboratory, Fundació Puigvert
Classification: Likely pathogenic for Nephrotic syndrome, type 12. Last evaluated: 2020-02-01. Review status: criteria provided, single submitter. Criteria: ACMG Guidelines, 2015. Collection method: research. Allele origin: inherited. Affected: yes. Study: KidneyPanel_2020.

OMIM
Classification: Pathogenic for NEPHROTIC SYNDROME, TYPE 12. Last evaluated: 2020-11-20. Review status: no assertion criteria provided. Collection method: literature only. Allele origin: germline. Not counted in ClinVar's aggregate classification.

Bioscientia Institut fuer Medizinische Diagnostik GmbH, Sonic Healthcare
Classification: Pathogenic for Nephrotic syndrome, type 12. Last evaluated: 2018-05-30. Review status: no assertion criteria provided. Collection method: clinical testing. Allele origin: germline. Affected: yes. Not counted in ClinVar's aggregate classification.

Yale Center for Mendelian Genomics, Yale University
Classification: Likely pathogenic for Nephrotic syndrome. Last evaluated: 2017-11-10. Review status: no assertion criteria provided. Collection method: literature only. Allele origin: germline. Affected: yes. Observed: 1 homozygote. Study: Yale Center for Mendelian Genomics. Not counted in ClinVar's aggregate classification.

Dr. Peter K. Rogan Lab, Western University
No classification provided (evidence only). Condition: Melanoma. Review status: no classification provided. Collection method: in vitro. Allele origin: not applicable. Functional consequence: retained intron. Not counted in ClinVar's aggregate classification.

Dr. Peter K. Rogan Lab, Western University
No classification provided (evidence only). Condition: Colorectal cancer. Review status: no classification provided. Collection method: in vitro. Allele origin: not applicable. Functional consequence: retained intron. Not counted in ClinVar's aggregate classification.

Literature cited by the submitters: PubMed 26878725 (cited by Labcorp Genetics (formerly Invitae), Labcorp and OMIM); PubMed 33532864 (cited by Molecular Biology Laboratory, Fundació Puigvert); PubMed 29127259 (cited by Yale Center for Mendelian Genomics, Yale University).